The following is an entry in ClinVar:

NM_002296.4(LBR):c.555A>C (p.Glu185Asp)

Gene: LBR (lamin B receptor; minus strand). Cytogenetic location: 1q42.12.
Variant type: single nucleotide variant.
Coding change: c.555A>C on transcript NM_002296.4 (MANE Select); coding-DNA position 555, A replaced by C.
Protein change: p.Glu185Asp; replaces glutamic acid 185 with aspartic acid.
Molecular consequence: missense variant.
Genome position (GRCh38, 1-based): chr1:225,419,348, T>G on the plus strand (A>C on the coding strand, the complement: LBR is on the minus strand). VCF-style: chr1-225419348-T-G. GRCh37 (hg19) VCF-style: chr1-225607050-T-G.
Other names: c.555A>C, p.Glu185Asp (NM_194442.3); short protein forms E185D.
Identifiers: ClinVar variation 2801514 (VCV002801514.3), dbSNP rs1192593707, ClinGen allele CA344999607.

ClinVar aggregate classification (germline): Uncertain significance (1 of 4 stars; one submission).

Allele frequency attached by ClinVar (database versions not stated): TOPMed below 0.00001.

Submission:

Labcorp Genetics (formerly Invitae), Labcorp
Classification: Uncertain significance. Last evaluated: 2023-07-17. Review status: criteria provided, single submitter. Criteria: Invitae Variant Classification Sherloc (09022015). Collection method: clinical testing. Allele origin: germline.
Comment: In summary, the available evidence is currently insufficient to determine the role of this variant in disease. Therefore, it has been classified as a Variant of Uncertain Significance. Advanced modeling of protein sequence and biophysical properties (such as structural, functional, and spatial information, amino acid conservation, physicochemical variation, residue mobility, and thermodynamic stability) performed at Invitae indicates that this missense variant is not expected to disrupt LBR protein function. This variant has not been reported in the literature in individuals affected with LBR-related conditions. This variant is present in population databases (no rsID available, gnomAD 0.006%). This sequence change replaces glutamic acid, which is acidic and polar, with aspartic acid, which is acidic and polar, at codon 185 of the LBR protein (p.Glu185Asp).